The following is an entry in ClinVar:

ClinVar aggregate classification (germline): Uncertain significance (1 of 4 stars; one submission).

Allele frequency attached by ClinVar (database versions not stated): gnomAD exomes below 0.00001.
gnomAD v4.1: 3 of 1,589,164 alleles (0.00019%); highest among the groups gnomAD compares: Non-Finnish European, 0.00026%; no homozygotes.

Submission:

Labcorp Genetics (formerly Invitae), Labcorp
Classification: Uncertain significance. Last evaluated: 2025-10-01. Review status: criteria provided, single submitter. Criteria: Invitae Variant Classification Sherloc (09022015). Collection method: clinical testing. Allele origin: germline.
Comment: This sequence change replaces valine, which is neutral and non-polar, with methionine, which is neutral and non-polar, at codon 637 of the IL6ST protein (p.Val637Met). This variant is not present in population databases (gnomAD no frequency). This variant has not been reported in the literature in individuals affected with IL6ST-related conditions. ClinVar contains an entry for this variant (Variation ID: 1927545). An algorithm developed to predict the effect of missense changes on protein structure and function (PolyPhen-2) suggests that this variant is likely to be disruptive. In summary, the available evidence is currently insufficient to determine the role of this variant in disease. Therefore, it has been classified as a Variant of Uncertain Significance.

NM_002184.4(IL6ST):c.1909G>A (p.Val637Met)

Gene: IL6ST (interleukin 6 cytokine family signal transducer; minus strand). Cytogenetic location: 5q11.2.
Variant type: single nucleotide variant.
Coding change: c.1909G>A on transcript NM_002184.4 (MANE Select); coding-DNA position 1909, G replaced by A.
Protein change: p.Val637Met; replaces valine 637 with methionine.
Molecular consequence: missense variant. On other transcripts: 3 prime UTR variant (1), non-coding transcript variant (2).
Genome position (GRCh38, 1-based): chr5:55,947,521, C>T on the plus strand (G>A on the coding strand, the complement: IL6ST is on the minus strand). VCF-style: chr5-55947521-C-T. GRCh37 (hg19) VCF-style: chr5-55243349-C-T.
Other names: c.1726G>A, p.Val576Met (NM_001190981.2); c.1807G>A, p.Val603Met (NM_001364275.2); c.1699G>A, p.Val567Met (NM_001364276.2); c.1042G>A, p.Val348Met (NM_001364277.2); c.1006G>A, p.Val336Met (NM_001364278.2); c.913G>A, p.Val305Met (NM_001364279.2); c.*836G>A (NM_175767.3); short protein forms V567M, V637M, V305M, V603M, V336M, V348M, V576M.
Identifiers: ClinVar variation 1927545 (VCV001927545.5), dbSNP rs1399349153, ClinGen allele CA359782317.
Genomic context (GRCh38, chr5:55,947,521, plus strand): 5'-GAAAATGCAAAAATATGAATAAAGTTACTTACAGGTCTCGCTTATTAAAGCAGAACAGCA[C>T]TCCCAGAAGAGTTGTCAATAGGAATGCTAAGCAAACAGGCACGACTATGGCTTCAATTTC-3'
Protein context (NP_002175.2, residues 627-647): LAFLLTTLLG[Val637Met]LFCFNKRDLI